The following is an entry in ClinVar:

NM_020928.2(ZSWIM6):c.1889G>C (p.Gly630Ala)

Gene: ZSWIM6 (zinc finger SWIM-type containing 6; plus strand). Cytogenetic location: 5q12.1.
Variant type: single nucleotide variant.
Coding change: c.1889G>C on transcript NM_020928.2 (MANE Select); coding-DNA position 1889, G replaced by C.
Protein change: p.Gly630Ala; replaces glycine 630 with alanine.
Molecular consequence: missense variant.
Genome position (GRCh38, 1-based): chr5:61,530,103, G>C. VCF-style: chr5-61530103-G-C. GRCh37 (hg19) VCF-style: chr5-60825930-G-C.
Other names: short protein forms G630A.
Identifiers: ClinVar variation 2857294 (VCV002857294.3), dbSNP rs2478361289, ClinGen allele CA359944101.

ClinVar aggregate classification (germline): Uncertain significance (1 of 4 stars; one submission).

Submission:

Labcorp Genetics (formerly Invitae), Labcorp
Classification: Uncertain significance. Last evaluated: 2023-04-24. Review status: criteria provided, single submitter. Criteria: Invitae Variant Classification Sherloc (09022015). Collection method: clinical testing. Allele origin: germline.
Comment: In summary, the available evidence is currently insufficient to determine the role of this variant in disease. Therefore, it has been classified as a Variant of Uncertain Significance. Advanced modeling of protein sequence and biophysical properties (such as structural, functional, and spatial information, amino acid conservation, physicochemical variation, residue mobility, and thermodynamic stability) performed at Invitae indicates that this missense variant is not expected to disrupt ZSWIM6 protein function. This variant has not been reported in the literature in individuals affected with ZSWIM6-related conditions. This variant is not present in population databases (gnomAD no frequency). This sequence change replaces glycine, which is neutral and non-polar, with alanine, which is neutral and non-polar, at codon 630 of the ZSWIM6 protein (p.Gly630Ala).